The following is an entry in ClinVar:

ClinVar aggregate classification (germline): Conflicting classifications of pathogenicity. Review status: criteria provided, conflicting classifications (1 of 4 stars). 2 submissions from 2 submitters: Uncertain significance (1); Likely benign (1). Last evaluated 2023-01-01.

Conditions:
Hypogonadotropic hypogonadism 5 with or without anosmia (KAL5). Also called: HYPOGONADOTROPIC HYPOGONADISM 5 WITH ANOSMIA; HYPOGONADOTROPHIC HYPOGONADISM 5 WITHOUT ANOSMIA; CHD7-Related GnRH Deficiency (Kallmann Syndrome 5). Identifiers: Orphanet 478, MedGen C3552553, MONDO:0012880, OMIM 612370. Disease mechanism: loss of function.

Allele frequency attached by ClinVar (database versions not stated): 1000 Genomes Project 0.00040; 1000 Genomes Project 30x 0.00062; TOPMed 0.00062; gnomAD 0.00068 and 0.00072; gnomAD exomes 0.00089.
gnomAD v4.1: 291 of 358,244 alleles (0.081%); highest among the groups gnomAD compares: South Asian, 0.29%; no homozygotes.

Submissions (2):

CeGaT Center for Human Genetics Tuebingen
Classification: Likely benign. Last evaluated: 2023-01-01. Review status: criteria provided, single submitter. Criteria: CeGaT Center For Human Genetics Tuebingen Variant Classification Criteria Version 2. Collection method: clinical testing. Allele origin: germline. Affected: yes. Observed: 2 variant alleles.
Comment: CHD7: BS1

Illumina Laboratory Services, Illumina
Classification: Uncertain significance for Kallmann Syndrome 5. Last evaluated: 2018-01-13. Review status: criteria provided, single submitter. Criteria: ICSL Variant Classification Criteria 13 December 2019. Collection method: clinical testing. Allele origin: germline.

NM_017780.4(CHD7):c.*251T>C

Gene: CHD7 (chromodomain helicase DNA binding protein 7; plus strand). Cytogenetic location: 8q12.2.
Variant type: single nucleotide variant.
Coding change: c.*251T>C on transcript NM_017780.4 (MANE Select); 251 bases downstream of the stop codon, T replaced by C.
Molecular consequence: 3 prime UTR variant.
Genome position (GRCh38, 1-based): chr8:60,866,184, T>C. VCF-style: chr8-60866184-T-C. GRCh37 (hg19) VCF-style: chr8-61778743-T-C.
Other names: c.*251T>C (NM_001316690.1).
Identifiers: ClinVar variation 363492 (VCV000363492.29), dbSNP rs529121143, ClinGen allele CA10631421.